The following is an entry in ClinVar:

ClinVar aggregate classification (germline): Uncertain significance (1 of 4 stars; one submission).

Submission:

Labcorp Genetics (formerly Invitae), Labcorp
Classification: Uncertain significance. Last evaluated: 2022-05-12. Review status: criteria provided, single submitter. Criteria: Invitae Variant Classification Sherloc (09022015). Collection method: clinical testing. Allele origin: germline.
Comment: This sequence change replaces alanine, which is neutral and non-polar, with threonine, which is neutral and polar, at codon 426 of the TUBA1A protein (p.Ala426Thr). In summary, the available evidence is currently insufficient to determine the role of this variant in disease. Therefore, it has been classified as a Variant of Uncertain Significance. Algorithms developed to predict the effect of missense changes on protein structure and function (SIFT, PolyPhen-2, Align-GVGD) all suggest that this variant is likely to be disruptive. This variant has not been reported in the literature in individuals affected with TUBA1A-related conditions. This variant is not present in population databases (gnomAD no frequency).

NM_006009.4(TUBA1A):c.1276G>A (p.Ala426Thr)

Gene: TUBA1A (tubulin alpha 1a; minus strand). Cytogenetic location: 12q13.12.
Variant type: single nucleotide variant.
Coding change: c.1276G>A on transcript NM_006009.4 (MANE Select); coding-DNA position 1276, G replaced by A.
Protein change: p.Ala426Thr; replaces alanine 426 with threonine.
Molecular consequence: missense variant.
Genome position (GRCh38, 1-based): chr12:49,185,090, C>T on the plus strand (G>A on the coding strand, the complement: TUBA1A is on the minus strand). VCF-style: chr12-49185090-C-T. GRCh37 (hg19) VCF-style: chr12-49578873-C-T.
Other names: c.1276G>A, p.Ala426Thr (NM_001270399.2); c.1171G>A, p.Ala391Thr (NM_001270400.2); short protein forms A426T, A391T.
Identifiers: ClinVar variation 1993680 (VCV001993680.4), dbSNP rs2498858770, ClinGen allele CA384633730.